The following is an entry in ClinVar:

ClinVar aggregate classification (germline): Uncertain significance (1 of 4 stars; one submission).

Submission:

GeneDx
Classification: Uncertain significance. Last evaluated: 2024-09-11. Review status: criteria provided, single submitter. Criteria: GeneDx Variant Classification Process June 2021. Collection method: clinical testing. Allele origin: germline. Affected: yes.
Comment: Not observed at significant frequency in large population cohorts (gnomAD); In silico analysis supports that this missense variant has a deleterious effect on protein structure/function; Has not been previously published as pathogenic or benign to our knowledge

NM_006164.5(NFE2L2):c.1120A>G (p.Ser374Gly)

Gene: NFE2L2 (NFE2 like bZIP transcription factor 2; minus strand). Cytogenetic location: 2q31.2.
Variant type: single nucleotide variant.
Coding change: c.1120A>G on transcript NM_006164.5 (MANE Select); coding-DNA position 1120, A replaced by G.
Protein change: p.Ser374Gly; replaces serine 374 with glycine.
Molecular consequence: missense variant.
Genome position (GRCh38, 1-based): chr2:177,231,483, T>C on the plus strand (A>G on the coding strand, the complement: NFE2L2 is on the minus strand). VCF-style: chr2-177231483-T-C. GRCh37 (hg19) VCF-style: chr2-178096211-T-C.
Other names: c.1072A>G, p.Ser358Gly (NM_001145412.3, NM_001313900.1, NM_001313901.1); c.1051A>G, p.Ser351Gly (NM_001145413.3); c.1030A>G, p.Ser344Gly (NM_001313902.2); c.901A>G, p.Ser301Gly (NM_001313903.2); c.820A>G, p.Ser274Gly (NM_001313904.1); short protein forms S274G, S301G, S344G, S351G, S358G, S374G.
Identifiers: ClinVar variation 3769981 (VCV003769981.1).